The following is an entry in ClinVar:

NM_017780.4(CHD7):c.431T>C (p.Met144Thr)

Gene: CHD7 (chromodomain helicase DNA binding protein 7; plus strand). Cytogenetic location: 8q12.2.
Variant type: single nucleotide variant.
Coding change: c.431T>C on transcript NM_017780.4 (MANE Select); coding-DNA position 431, T replaced by C.
Protein change: p.Met144Thr; replaces methionine 144 with threonine.
Molecular consequence: missense variant.
Genome position (GRCh38, 1-based): chr8:60,741,863, T>C. VCF-style: chr8-60741863-T-C. GRCh37 (hg19) VCF-style: chr8-61654422-T-C.
Other names: c.431T>C, p.Met144Thr (NM_001316690.1); short protein forms M144T.
Identifiers: ClinVar variation 3350088 (VCV003350088.1).
Genomic context (GRCh38, chr8:60,741,863, plus strand): 5'-GTGTCTACCCTGGCATGCAGAATGAGAGGCATGGGCAATCCTTTGTGGACAGCAGCTCCA[T>C]GTGGGGCCCCAGGGCTGTTCAGGTACCAGACCAGATACGAGCCCCCTACCAGCAGCAGCA-3'
Protein context (NP_060250.2, residues 134-154): HGQSFVDSSS[Met144Thr]WGPRAVQVPD

ClinVar aggregate classification (germline): Uncertain significance (0 of 4 stars; one submission).

Conditions:
CHD7-related disorder. Also called: CHD7-related condition.

Submission:

PreventionGenetics, part of Exact Sciences
Classification: Uncertain significance for CHD7-related condition. Last evaluated: 2024-03-07. Review status: no assertion criteria provided. Collection method: clinical testing. Allele origin: germline.
Comment: The CHD7 c.431T>C variant is predicted to result in the amino acid substitution p.Met144Thr. To our knowledge, this variant has not been reported in the literature or in a large population database, indicating this variant is rare. At this time, the clinical significance of this variant is uncertain due to the absence of conclusive functional and genetic evidence.